The following is an entry in ClinVar:

ClinVar aggregate classification (germline): Pathogenic/Likely pathogenic. Review status: criteria provided, multiple submitters, no conflicts (2 of 4 stars). 2 submissions from 2 submitters: Pathogenic (1); Likely pathogenic (1). Last evaluated 2025-02-05.

Conditions:
Retinitis pigmentosa (RP). Identifiers: Orphanet 791, MedGen C0035334, MeSH D012174, MONDO:0019200, OMIM 268000. Inheritance: Autosomal dominant, autosomal recessive and X linked inheritance.
Cone-rod dystrophy 2 (CORD2). Also called: CONE-ROD RETINAL DYSTROPHY; Cone-rod retinal dystrophy 2. Identifiers: Orphanet 1872, MedGen C3489532, MONDO:0007362, OMIM 120970.
Leber congenital amaurosis 7 (LCA7). Identifiers: Orphanet 65, MedGen C3151192, MONDO:0013449, OMIM 613829.

Submissions (2):

SingHealth Duke-NUS Institute of Precision Medicine
Classification: Likely pathogenic for Retinitis pigmentosa. Last evaluated: 2025-02-05. Review status: criteria provided, single submitter. Criteria: PRISM ACMG Classification Criteria. Collection method: clinical testing. Allele origin: germline. Affected: yes.
Comment: Null variant is predicted to remove more than 10% of protein in a gene where LOF is a known mechanism for pathogenicity (PVS1). Variant is not found in gnomAD exomes and not found in genomes (PM2)

Labcorp Genetics (formerly Invitae), Labcorp
Classification: Pathogenic for Cone-rod dystrophy 2; Leber congenital amaurosis 7. Last evaluated: 2024-01-16. Review status: criteria provided, single submitter. Criteria: Invitae Variant Classification Sherloc (09022015). Collection method: clinical testing. Allele origin: germline.
Comment: This sequence change creates a premature translational stop signal (p.Gln228*) in the CRX gene. While this is not anticipated to result in nonsense mediated decay, it is expected to disrupt the last 72 amino acid(s) of the CRX protein. This variant is not present in population databases (gnomAD no frequency). This premature translational stop signal has been observed in individual(s) with autosomal dominant CRX-related conditions (PMID: 26667666). This variant disrupts a region of the CRX protein in which other variant(s) (p.Tyr258*) have been determined to be pathogenic (PMID: 22968130, 25270190). This suggests that this is a clinically significant region of the protein, and that variants that disrupt it are likely to be disease-causing. For these reasons, this variant has been classified as Pathogenic.

Literature cited by the submitters: PubMed 26667666 (cited by Labcorp Genetics (formerly Invitae), Labcorp); PubMed 22968130 (cited by Labcorp Genetics (formerly Invitae), Labcorp); PubMed 25270190 (cited by Labcorp Genetics (formerly Invitae), Labcorp).

NM_000554.6(CRX):c.682C>T (p.Gln228Ter)

Gene: CRX (cone-rod homeobox; plus strand). Cytogenetic location: 19q13.33.
Variant type: single nucleotide variant.
Coding change: c.682C>T on transcript NM_000554.6 (MANE Select); coding-DNA position 682, C replaced by T.
Protein change: p.Gln228Ter; replaces glutamine 228 with a stop codon.
Molecular consequence: nonsense.
Genome position (GRCh38, 1-based): chr19:47,839,749, C>T. VCF-style: chr19-47839749-C-T. GRCh37 (hg19) VCF-style: chr19-48343006-C-T.
Other names: short protein forms Q228*.
Identifiers: ClinVar variation 2925643 (VCV002925643.4), dbSNP rs2514256545, ClinGen allele CA406631545.